The following is an entry in ClinVar:

NM_000038.6(APC):c.3777A>G (p.Ile1259Met)

Gene: APC (APC regulator of Wnt signaling pathway; plus strand). Cytogenetic location: 5q22.2.
Variant type: single nucleotide variant.
Coding change: c.3777A>G on transcript NM_000038.6 (MANE Select); coding-DNA position 3777, A replaced by G.
Protein change: p.Ile1259Met; replaces isoleucine 1259 with methionine.
Molecular consequence: missense variant.
Genome position (GRCh38, 1-based): chr5:112,839,371, A>G. VCF-style: chr5-112839371-A-G. GRCh37 (hg19) VCF-style: chr5-112175068-A-G.
Other names: c.3777A>G, p.Ile1259Met (NM_001127510.3, NM_001354895.2); c.3723A>G, p.Ile1241Met (NM_001127511.3); c.3831A>G, p.Ile1277Met (NM_001354896.2); c.3807A>G, p.Ile1269Met (NM_001354897.2); c.3702A>G, p.Ile1234Met (NM_001354898.2); c.3693A>G, p.Ile1231Met (NM_001354899.2); c.3654A>G, p.Ile1218Met (NM_001354900.2); c.3600A>G, p.Ile1200Met (NM_001354901.2); and 5 more; short protein forms I1099M, I1133M, I1218M, I1241M, I1269M, I976M, I1231M, I1234M.
Identifiers: ClinVar variation 1367863 (VCV001367863.11), dbSNP rs2149898779, ClinGen allele CA16029616.
Genomic context (GRCh38, chr5:112,839,371, plus strand): 5'-AAGTGGTCAGCCTCAAAAGGCTGCCACTTGCAAAGTTTCTTCTATTAACCAAGAAACAAT[A>G]CAGACTTATTGTGTAGAAGATACTCCAATATGTTTTTCAAGATGTAGTTCATTATCATCT-3'
Protein context (NP_000029.2, residues 1249-1269): CKVSSINQET[Ile1259Met]QTYCVEDTPI

ClinVar aggregate classification (germline): Uncertain significance. Review status: criteria provided, multiple submitters, no conflicts (2 of 4 stars). 3 submissions from 3 submitters: Uncertain significance (3). Last evaluated 2023-12-24.

Conditions:
Hereditary cancer-predisposing syndrome. Also called: Neoplastic Syndromes, Hereditary; Tumor predisposition; Hereditary neoplastic syndrome; Hereditary Cancer Syndrome. Identifiers: Orphanet 140162, MedGen C0027672, MeSH D009386, MONDO:0015356.
Familial adenomatous polyposis 1 (FAP1). Also called: POLYPOSIS, ADENOMATOUS INTESTINAL; FAMILIAL ADENOMATOUS POLYPOSIS 1, ATTENUATED. Identifiers: MedGen C2713442, MONDO:0021056, OMIM 175100. Disease mechanism: loss of function.

gnomAD v4.1: 9 of 1,613,822 alleles (0.00056%); highest among the groups gnomAD compares: Non-Finnish European, 0.00068%; no homozygotes.

Submissions (3):

Labcorp Genetics (formerly Invitae), Labcorp
Classification: Uncertain significance for Familial adenomatous polyposis 1. Last evaluated: 2023-12-24. Review status: criteria provided, single submitter. Criteria: Invitae Variant Classification Sherloc (09022015). Collection method: clinical testing. Allele origin: germline.
Comment: This sequence change replaces isoleucine, which is neutral and non-polar, with methionine, which is neutral and non-polar, at codon 1259 of the APC protein (p.Ile1259Met). This variant is not present in population databases (gnomAD no frequency). This variant has not been reported in the literature in individuals affected with APC-related conditions. ClinVar contains an entry for this variant (Variation ID: 1367863). Advanced modeling of protein sequence and biophysical properties (such as structural, functional, and spatial information, amino acid conservation, physicochemical variation, residue mobility, and thermodynamic stability) performed at Invitae indicates that this missense variant is not expected to disrupt APC protein function with a negative predictive value of 95%. In summary, the available evidence is currently insufficient to determine the role of this variant in disease. Therefore, it has been classified as a Variant of Uncertain Significance.

Color Diagnostics, LLC DBA Color Health
Classification: Uncertain significance for Hereditary cancer-predisposing syndrome. Last evaluated: 2023-07-06. Review status: criteria provided, single submitter. Criteria: ACMG Guidelines, 2015. Collection method: clinical testing. Allele origin: germline.
Comment: This missense variant replaces isoleucine with methionine at codon 1259 of the APC protein. Computational prediction suggests that this variant may not impact protein structure and function (internally defined REVEL score threshold <= 0.5, PMID: 27666373). To our knowledge, functional studies have not been reported for this variant. This variant has not been reported in individuals affected with APC-related disorders in the literature. This variant has not been identified in the general population by the Genome Aggregation Database (gnomAD). The available evidence is insufficient to determine the role of this variant in disease conclusively. Therefore, this variant is classified as a Variant of Uncertain Significance.

Ambry Genetics
Classification: Uncertain significance for Hereditary cancer-predisposing syndrome. Last evaluated: 2022-07-19. Review status: criteria provided, single submitter. Criteria: Ambry Variant Classification Scheme 2023. Collection method: clinical testing. Allele origin: germline.
Comment: The p.I1259M variant (also known as c.3777A>G), located in coding exon 15 of the APC gene, results from an A to G substitution at nucleotide position 3777. The isoleucine at codon 1259 is replaced by methionine, an amino acid with highly similar properties. This amino acid position is conserved. In addition, in silico predictors for this gene do not accurately predict pathogenicity. Since supporting evidence is limited at this time, the clinical significance of this alteration remains unclear.